The following is an entry in ClinVar:

ClinVar aggregate classification (germline): Uncertain significance. Review status: criteria provided, multiple submitters, no conflicts (2 of 4 stars). 2 submissions from 2 submitters: Uncertain significance (2). Last evaluated 2025-08-25.

Allele frequency attached by ClinVar (database versions not stated): gnomAD exomes 0.00001; ExAC 0.00002; TOPMed 0.00008; gnomAD 0.00009.
gnomAD v4.1: 25 of 1,613,764 alleles (0.0015%); highest among the groups gnomAD compares: African/African-American, 0.02%; no homozygotes.

Submissions (2):

Ambry Genetics
Classification: Uncertain significance. Last evaluated: 2025-08-25. Review status: criteria provided, single submitter. Criteria: Ambry Variant Classification Scheme 2023. Collection method: clinical testing. Allele origin: germline.

GeneDx
Classification: Uncertain significance. Last evaluated: 2023-04-20. Review status: criteria provided, single submitter. Criteria: GeneDx Variant Classification Process June 2021. Collection method: clinical testing. Allele origin: germline. Affected: yes.
Comment: In silico analysis supports that this missense variant does not alter protein structure/function; Has not been previously published as pathogenic or benign to our knowledge

NM_017757.3(ZNF407):c.1362T>G (p.Ser454Arg)

Gene: ZNF407 (zinc finger protein 407; plus strand). Cytogenetic location: 18q22.3.
Variant type: single nucleotide variant.
Coding change: c.1362T>G on transcript NM_017757.3 (MANE Select); coding-DNA position 1362, T replaced by G.
Protein change: p.Ser454Arg; replaces serine 454 with arginine.
Molecular consequence: missense variant.
Genome position (GRCh38, 1-based): chr18:74,632,381, T>G. VCF-style: chr18-74632381-T-G. GRCh37 (hg19) VCF-style: chr18-72344337-T-G.
Other names: c.1362T>G, p.Ser454Arg (NM_001146189.1, NM_001146190.1, NM_001384475.1); short protein forms S454R.
Identifiers: ClinVar variation 2662107 (VCV002662107.2), dbSNP rs772946096, ClinGen allele CA9000343.
Genomic context (GRCh38, chr18:74,632,381, plus strand): 5'-CACCTTGAAGGGCCAGGCAAAGAAAAGGTTTAATCTTTTAGGAATTAAAAGAGGTACAAG[T>G]GAAACTCAGAGGATGTATATGAAACACTTGAGAACACAGATGAAAACACACGATGCAGAA-3'
Protein context (NP_060227.2, residues 444-464): FNLLGIKRGT[Ser454Arg]ETQRMYMKHL